The following is an entry in ClinVar:

ClinVar aggregate classification (germline): Uncertain significance (1 of 4 stars; one submission).

gnomAD v4.1: 6 of 1,613,608 alleles (0.00037%); highest among the groups gnomAD compares: Non-Finnish European, 0.00051%; no homozygotes.

Submission:

Labcorp Genetics (formerly Invitae), Labcorp
Classification: Uncertain significance. Last evaluated: 2025-05-03. Review status: criteria provided, single submitter. Criteria: Invitae Variant Classification Sherloc (09022015). Collection method: clinical testing. Allele origin: germline.
Comment: This sequence change replaces proline, which is neutral and non-polar, with threonine, which is neutral and polar, at codon 785 of the BICC1 protein (p.Pro785Thr). This variant is not present in population databases (gnomAD no frequency). This variant has not been reported in the literature in individuals affected with BICC1-related conditions. An algorithm developed to predict the effect of missense changes on protein structure and function (PolyPhen-2) suggests that this variant is likely to be disruptive. In summary, the available evidence is currently insufficient to determine the role of this variant in disease. Therefore, it has been classified as a Variant of Uncertain Significance.

NM_001080512.3(BICC1):c.2353C>A (p.Pro785Thr)

Genes: BICC1 (BicC family RNA binding protein 1; plus strand), LOC126860938 (MED14-independent group 3 enhancer GRCh37_chr10:60566642-60567841; plus strand). Cytogenetic location: 10q21.1.
Variant type: single nucleotide variant.
Coding change: c.2353C>A on transcript NM_001080512.3 (MANE Select); coding-DNA position 2353, C replaced by A.
Protein change: p.Pro785Thr; replaces proline 785 with threonine.
Molecular consequence: missense variant.
Genome position (GRCh38, 1-based): chr10:58,807,135, C>A. VCF-style: chr10-58807135-C-A. GRCh37 (hg19) VCF-style: chr10-60566895-C-A.
Other names: short protein forms P785T.
Identifiers: ClinVar variation 4749494 (VCV004749494.1).